The following is an entry in ClinVar:

ClinVar aggregate classification (germline): Uncertain significance (1 of 4 stars; one submission).

Allele frequency attached by ClinVar (database versions not stated): ExAC 0.00004; ESP Exome Variant Server 0.00008; gnomAD 0.00011; TOPMed 0.00011; gnomAD exomes 0.00015.
gnomAD v4.1: 239 of 1,612,864 alleles (0.015%); highest among the groups gnomAD compares: Non-Finnish European, 0.019%; no homozygotes.

Submission:

Labcorp Genetics (formerly Invitae), Labcorp
Classification: Uncertain significance. Last evaluated: 2024-04-19. Review status: criteria provided, single submitter. Criteria: Invitae Variant Classification Sherloc (09022015). Collection method: clinical testing. Allele origin: germline.
Comment: This sequence change replaces serine, which is neutral and polar, with phenylalanine, which is neutral and non-polar, at codon 458 of the PMPCA protein (p.Ser458Phe). This variant is present in population databases (rs150094306, gnomAD 0.01%). This variant has not been reported in the literature in individuals affected with PMPCA-related conditions. Advanced modeling of protein sequence and biophysical properties (such as structural, functional, and spatial information, amino acid conservation, physicochemical variation, residue mobility, and thermodynamic stability) performed at Invitae indicates that this missense variant is not expected to disrupt PMPCA protein function with a negative predictive value of 80%. In summary, the available evidence is currently insufficient to determine the role of this variant in disease. Therefore, it has been classified as a Variant of Uncertain Significance.

NM_015160.3(PMPCA):c.1373C>T (p.Ser458Phe)

Gene: PMPCA (peptidase, mitochondrial processing subunit alpha; plus strand). Cytogenetic location: 9q34.3.
Variant type: single nucleotide variant.
Coding change: c.1373C>T on transcript NM_015160.3 (MANE Select); coding-DNA position 1373, C replaced by T.
Protein change: p.Ser458Phe; replaces serine 458 with phenylalanine.
Molecular consequence: missense variant.
Genome position (GRCh38, 1-based): chr9:136,421,941, C>T. VCF-style: chr9-136421941-C-T. GRCh37 (hg19) VCF-style: chr9-139316393-C-T.
Other names: c.980C>T, p.Ser327Phe (NM_001282944.2); c.1073C>T, p.Ser358Phe (NM_001282946.2); short protein forms S358F, S458F, S327F.
Identifiers: ClinVar variation 2722824 (VCV002722824.3), dbSNP rs150094306, ClinGen allele CA5336461.
Genomic context (GRCh38, chr9:136,421,941, plus strand): 5'-ACCTGGAATCCAGGCCTGTGATCTTCGAGGATGTGGGGAGGCAGGTGCTGGCCACTCGCT[C>T]CAGAAAGCTGCCGCACGAGCTGTGCACGCTCATCCGTGAGTACCGCAGGGGTAGTGAGGG-3'
Protein context (NP_055975.1, residues 448-468): DVGRQVLATR[Ser458Phe]RKLPHELCTL